The following is an entry in ClinVar:

NM_022356.4(P3H1):c.1651T>C (p.Ser551Pro)

Gene: P3H1 (prolyl 3-hydroxylase 1; minus strand). Cytogenetic location: 1p34.2.
Variant type: single nucleotide variant.
Coding change: c.1651T>C on transcript NM_022356.4 (MANE Select); coding-DNA position 1651, T replaced by C.
Protein change: p.Ser551Pro; replaces serine 551 with proline.
Molecular consequence: missense variant.
Genome position (GRCh38, 1-based): chr1:42,750,255, A>G on the plus strand (T>C on the coding strand, the complement: P3H1 is on the minus strand). VCF-style: chr1-42750255-A-G. GRCh37 (hg19) VCF-style: chr1-43215926-A-G.
Other names: c.1651T>C, p.Ser551Pro (NM_001146289.2, NM_001243246.2); short protein forms S551P.
Identifiers: ClinVar variation 3355448 (VCV003355448.1).

ClinVar aggregate classification (germline): Uncertain significance (0 of 4 stars; one submission).

Conditions:
P3H1-related disorder. Also called: P3H1-related condition.

gnomAD v4.1: 2 of 1,613,522 alleles (0.00012%); no homozygotes.

Submission:

PreventionGenetics, part of Exact Sciences
Classification: Uncertain significance for P3H1-related condition. Last evaluated: 2024-07-17. Review status: no assertion criteria provided. Collection method: clinical testing. Allele origin: germline.
Comment: The P3H1 c.1651T>C variant is predicted to result in the amino acid substitution p.Ser551Pro. To our knowledge, this variant has not been reported in the literature or in a large population database, indicating this variant is rare. At this time, the clinical significance of this variant is uncertain due to the absence of conclusive functional and genetic evidence.